The following is an entry in ClinVar:

ClinVar aggregate classification (germline): Uncertain significance (1 of 4 stars; one submission).

Submission:

GeneDx
Classification: Uncertain significance. Last evaluated: 2025-02-18. Review status: criteria provided, single submitter. Criteria: GeneDx Variant Classification Process June 2021. Collection method: clinical testing. Allele origin: germline. Affected: yes.
Comment: Not observed at significant frequency in large population cohorts (gnomAD); In silico analysis supports that this missense variant has a deleterious effect on protein structure/function; Has not been previously published as pathogenic or benign to our knowledge

NM_002693.3(POLG):c.2795A>C (p.His932Pro)

Gene: POLG (DNA polymerase gamma, catalytic subunit; minus strand). Cytogenetic location: 15q26.1.
Variant type: single nucleotide variant.
Coding change: c.2795A>C on transcript NM_002693.3 (MANE Select); coding-DNA position 2795, A replaced by C.
Protein change: p.His932Pro; replaces histidine 932 with proline.
Molecular consequence: missense variant.
Genome position (GRCh38, 1-based): chr15:89,320,952, T>G on the plus strand (A>C on the coding strand, the complement: POLG is on the minus strand). VCF-style: chr15-89320952-T-G. GRCh37 (hg19) VCF-style: chr15-89864183-T-G.
Other names: c.2795A>C, p.His932Pro (NM_001126131.2); short protein forms H932P.
Identifiers: ClinVar variation 4075682 (VCV004075682.1).